The following is an entry in ClinVar:

ClinVar aggregate classification (germline): Conflicting classifications of pathogenicity. Review status: criteria provided, conflicting classifications (1 of 4 stars). 5 submissions from 5 submitters: Uncertain significance (3); Benign (1); Likely benign (1). Last evaluated 2025-12-22.

Conditions:
PIEZO1-related disorder. Also called: PIEZO1-related condition; PIEZO1-Related Disorders.

Allele frequency attached by ClinVar (database versions not stated): ExAC 0.00009; gnomAD exomes 0.00012; gnomAD 0.00014; TOPMed 0.00034; 1000 Genomes Project 30x 0.00062.
gnomAD v4.1: 121 of 1,509,656 alleles (0.008%); highest among the groups gnomAD compares: Middle Eastern, 0.45%; 3 homozygotes.

Submissions (5):

Labcorp Genetics (formerly Invitae), Labcorp
Classification: Benign. Last evaluated: 2025-12-22. Review status: criteria provided, single submitter. Criteria: Invitae Variant Classification Sherloc (09022015). Collection method: clinical testing. Allele origin: germline.

PreventionGenetics, part of Exact Sciences
Classification: Likely benign for PIEZO1-related condition. Last evaluated: 2024-11-20. Review status: criteria provided, single submitter. Criteria: ACMG Guidelines, 2015. Collection method: clinical testing. Allele origin: germline.
Comment: This variant is classified as likely benign based on ACMG/AMP sequence variant interpretation guidelines (Richards et al. 2015 PMID: 25741868, with internal and published modifications).

Mayo Clinic Laboratories, Mayo Clinic
Classification: Uncertain significance. Last evaluated: 2024-06-17. Review status: criteria provided, single submitter. Criteria: ACMG Guidelines, 2015. Collection method: clinical testing. Allele origin: germline. Observed: 4 variant alleles.
Comment: BP4

ARUP Laboratories, Molecular Genetics and Genomics, ARUP Laboratories
Classification: Uncertain significance. Last evaluated: 2021-05-28. Review status: criteria provided, single submitter. Criteria: ARUP Molecular Germline Variant Investigation Process 2021. Collection method: clinical testing. Allele origin: germline.

Breakthrough Genomics
Classification: Uncertain significance. Review status: criteria provided, single submitter. Criteria: ACMG Guidelines, 2015. Collection method: not provided. Allele origin: germline. Inheritance: Autosomal recessive inheritance. Affected: yes.

NM_001142864.4(PIEZO1):c.5656G>A (p.Ala1886Thr)

Gene: PIEZO1 (piezo type mechanosensitive ion channel component 1 (Er blood group); minus strand). Cytogenetic location: 16q24.3.
Variant type: single nucleotide variant.
Coding change: c.5656G>A on transcript NM_001142864.4 (MANE Select); coding-DNA position 5656, G replaced by A.
Protein change: p.Ala1886Thr; replaces alanine 1886 with threonine.
Molecular consequence: missense variant.
Genome position (GRCh38, 1-based): chr16:88,721,178, C>T on the plus strand (G>A on the coding strand, the complement: PIEZO1 is on the minus strand). VCF-style: chr16-88721178-C-T. GRCh37 (hg19) VCF-style: chr16-88787586-C-T.
Other names: p.Ala1886Thr; c.5656G>A (NM_001142864.3); short protein forms A1886T.
Identifiers: ClinVar variation 1330530 (VCV001330530.15), dbSNP rs757753448, ClinGen allele CA8231825.